The following is an entry in ClinVar:

NM_022168.4(IFIH1):c.2342G>T (p.Gly781Val)

Gene: IFIH1 (interferon induced with helicase C domain 1; minus strand). Cytogenetic location: 2q24.2.
Variant type: single nucleotide variant.
Coding change: c.2342G>T on transcript NM_022168.4 (MANE Select); coding-DNA position 2342, G replaced by T.
Protein change: p.Gly781Val; replaces glycine 781 with valine.
Molecular consequence: missense variant.
Genome position (GRCh38, 1-based): chr2:162,273,907, C>A on the plus strand (G>T on the coding strand, the complement: IFIH1 is on the minus strand). VCF-style: chr2-162273907-C-A. GRCh37 (hg19) VCF-style: chr2-163130417-C-A.
Other names: short protein forms G781V.
Identifiers: ClinVar variation 3900059 (VCV003900059.1).

ClinVar aggregate classification (germline): Uncertain significance (1 of 4 stars; one submission).

Submission:

GeneDx
Classification: Uncertain significance. Last evaluated: 2024-11-24. Review status: criteria provided, single submitter. Criteria: GeneDx Variant Classification Process June 2021. Collection method: clinical testing. Allele origin: germline. Affected: yes.
Comment: Not observed at significant frequency in large population cohorts (gnomAD); In silico analysis supports that this missense variant has a deleterious effect on protein structure/function; Has not been previously published as pathogenic or benign to our knowledge.